The following is an entry in ClinVar:

NM_032634.4(PIGO):c.2431C>T (p.Arg811Trp)

Gene: PIGO (phosphatidylinositol glycan anchor biosynthesis class O; minus strand). Cytogenetic location: 9p13.3.
Variant type: single nucleotide variant.
Coding change: c.2431C>T on transcript NM_032634.4 (MANE Select); coding-DNA position 2431, C replaced by T.
Protein change: p.Arg811Trp; replaces arginine 811 with tryptophan.
Molecular consequence: missense variant. On other transcripts: intron variant (2).
Genome position (GRCh38, 1-based): chr9:35,091,456, G>A on the plus strand (C>T on the coding strand, the complement: PIGO is on the minus strand). VCF-style: chr9-35091456-G-A. GRCh37 (hg19) VCF-style: chr9-35091453-G-A.
Other names: c.1345-165C>T (NM_152850.4, NM_001201484.2); short protein forms R811W.
Identifiers: ClinVar variation 522896 (VCV000522896.10), dbSNP rs140470862, ClinGen allele CA5040414.
Genomic context (GRCh38, chr9:35,091,456, plus strand): 5'-CACTCCCCAACTGATAAGCAGCCACAGTCAGGGGACCCTGAGATTTGGTCCTCTCTAACC[G>A]GCCCCGGAACTCCTCCTGCATGTGTCGGTAGATTTGAGGGACCACATAATCCAAGTCAGC-3'
Protein context (NP_116023.2, residues 801-821): YRHMQEEFRG[Arg811Trp]LERTKSQGPL

ClinVar aggregate classification (germline): Uncertain significance. Review status: criteria provided, multiple submitters, no conflicts (2 of 4 stars). 4 submissions from 4 submitters: Uncertain significance (4). Last evaluated 2023-07-27.

Conditions:
Inborn genetic diseases. Identifiers: MedGen C0950123, MeSH D030342.
Hyperphosphatasia-intellectual disability syndrome. Also called: Hyperphosphatasia with mental retardation syndrome. Identifiers: Orphanet 247262, MedGen C1855923, MONDO:0016596.
Hyperphosphatasia with impaired intellectual development syndrome 2. Also called: Hyperphosphatasia with intellectual disability syndrome 2; GLYCOSYLPHOSPHATIDYLINOSITOL BIOSYNTHESIS DEFECT 6. Identifiers: Orphanet 247262, MedGen C3553637, MONDO:0013882, OMIM 614749.

Allele frequency attached by ClinVar (database versions not stated): gnomAD exomes 0.00003; ExAC 0.00003.

Submissions (4):

Blueprint Genetics
Classification: Uncertain significance. Last evaluated: 2023-07-27. Review status: criteria provided, single submitter. Criteria: ACMG Guidelines, 2015. Collection method: clinical testing. Allele origin: germline.

Labcorp Genetics (formerly Invitae), Labcorp
Classification: Uncertain significance for Hyperphosphatasia with impaired intellectual development syndrome 2. Last evaluated: 2022-08-16. Review status: criteria provided, single submitter. Criteria: Invitae Variant Classification Sherloc (09022015). Collection method: clinical testing. Allele origin: germline.
Comment: This sequence change replaces arginine, which is basic and polar, with tryptophan, which is neutral and slightly polar, at codon 811 of the PIGO protein (p.Arg811Trp). This variant is present in population databases (rs140470862, gnomAD 0.006%). This variant has not been reported in the literature in individuals affected with PIGO-related conditions. ClinVar contains an entry for this variant (Variation ID: 522896). Algorithms developed to predict the effect of missense changes on protein structure and function are either unavailable or do not agree on the potential impact of this missense change (SIFT: "Deleterious"; PolyPhen-2: "Possibly Damaging"; Align-GVGD: "Class C0"). In summary, the available evidence is currently insufficient to determine the role of this variant in disease. Therefore, it has been classified as a Variant of Uncertain Significance.

Ambry Genetics
Classification: Uncertain significance for Inborn genetic diseases. Last evaluated: 2022-02-25. Review status: criteria provided, single submitter. Criteria: Ambry Variant Classification Scheme 2023. Collection method: clinical testing. Allele origin: germline.

Genomic Research Center, Shahid Beheshti University of Medical Sciences
Classification: Uncertain significance for Hyperphosphatasia-intellectual disability syndrome. Last evaluated: 2020-05-03. Review status: criteria provided, single submitter. Criteria: ACMG Guidelines, 2015. Collection method: clinical testing. Allele origin: unknown.